The following is an entry in ClinVar:

NM_006767.4(LZTR1):c.1786G>C (p.Glu596Gln)

Gene: LZTR1 (leucine zipper like post translational regulator 1; plus strand). Cytogenetic location: 22q11.21.
Variant type: single nucleotide variant.
Coding change: c.1786G>C on transcript NM_006767.4 (MANE Select); coding-DNA position 1786, G replaced by C.
Protein change: p.Glu596Gln; replaces glutamic acid 596 with glutamine.
Molecular consequence: missense variant.
Genome position (GRCh38, 1-based): chr22:20,994,870, G>C. VCF-style: chr22-20994870-G-C. GRCh37 (hg19) VCF-style: chr22-21349159-G-C.
Other names: short protein forms E596Q.
Identifiers: ClinVar variation 1780098 (VCV001780098.2), dbSNP rs1035245166, ClinGen allele CA410778446.

ClinVar aggregate classification (germline): Uncertain significance (1 of 4 stars; one submission).

Conditions:
Hereditary cancer-predisposing syndrome. Also called: Neoplastic Syndromes, Hereditary; Tumor predisposition; Hereditary Cancer Syndrome; Hereditary neoplastic syndrome. Identifiers: Orphanet 140162, MedGen C0027672, MeSH D009386, MONDO:0015356.
Cardiovascular phenotype. Identifiers: MedGen CN230736.

gnomAD v4.1: 2 of 1,613,182 alleles (0.00012%); highest among the groups gnomAD compares: Non-Finnish European, 0.00017%; no homozygotes.

Submission:

Ambry Genetics
Classification: Uncertain significance for Cardiovascular phenotype; Hereditary cancer-predisposing syndrome. Last evaluated: 2023-03-20. Review status: criteria provided, single submitter. Criteria: Ambry Variant Classification Scheme 2023. Collection method: clinical testing. Allele origin: germline.
Comment: The p.E596Q variant (also known as c.1786G>C) is located in coding exon 16 of the LZTR1 gene. The glutamic acid at codon 596 is replaced by glutamine, an amino acid with highly similar properties. This change occurs in the first base pair of coding exon 16. This amino acid position is highly conserved in available vertebrate species. In addition, the in silico prediction for this alteration is inconclusive. Since supporting evidence is limited at this time, the clinical significance of this alteration remains unclear.